The following is an entry in ClinVar:

ClinVar aggregate classification (germline): Conflicting classifications of pathogenicity. Review status: criteria provided, conflicting classifications (1 of 4 stars). 5 submissions from 5 submitters: Uncertain significance (3); Likely benign (1). 1 of the submissions does not count toward it. Last evaluated 2025-10-27.

Conditions:
Benign neonatal seizures. Also called: Convulsions benign familial neonatal dominant form; Autosomal dominant form of benign neonatal seizures; Benign neonatal familial convulsions; Benign familial neonatal epilepsy; Benign familial neonatal seizures. Identifiers: Orphanet 1949, MedGen C0220669, MONDO:0016027.

Allele frequency attached by ClinVar (database versions not stated): gnomAD exomes below 0.00001; gnomAD 0.00001; TOPMed 0.00002.
gnomAD v4.1: 17 of 1,614,064 alleles (0.0011%); highest among the groups gnomAD compares: Non-Finnish European, 0.0014%; no homozygotes.

Submissions (5):

Labcorp Genetics (formerly Invitae), Labcorp
Classification: Likely benign for Benign neonatal seizures. Last evaluated: 2025-10-27. Review status: criteria provided, single submitter. Criteria: Invitae Variant Classification Sherloc (09022015). Collection method: clinical testing. Allele origin: germline.

Blueprint Genetics
Classification: Uncertain significance. Last evaluated: 2024-08-08. Review status: criteria provided, single submitter. Criteria: ACMG Guidelines, 2015. Collection method: clinical testing. Allele origin: germline.

GeneDx
Classification: Uncertain significance. Last evaluated: 2020-02-05. Review status: criteria provided, single submitter. Criteria: GeneDx Variant Classification Process June 2021. Collection method: clinical testing. Allele origin: germline. Affected: yes.
Comment: Not observed at a significant frequency in large population cohorts (Lek et al., 2016); In silico analysis supports that this missense variant does not alter protein structure/function; Has not been previously published as pathogenic or benign to our knowledge

CeGaT Center for Human Genetics Tuebingen
Classification: Uncertain significance. Last evaluated: 2018-01-01. Review status: criteria provided, single submitter. Criteria: CeGaT Center For Human Genetics Tuebingen Variant Classification Criteria Version 2. Collection method: clinical testing. Allele origin: germline. Affected: yes. Observed: 1 variant allele.

Department of Pathology and Laboratory Medicine, Sinai Health System
Classification: Uncertain significance. Review status: no assertion criteria provided. Collection method: clinical testing. Allele origin: unknown. Affected: yes. Study: The Canadian Open Genetics Repository (COGR). Not counted in ClinVar's aggregate classification.
Comment: The KCNQ3 p.Ser588Ile variant was not identified in the literature nor was it identified in LOVD 3.0. The variant was identified in dbSNP (ID: rs977989588) and in ClinVar (classified as likely benign by Invitae and as uncertain significance by CeGaT (Germany)). The variant was identified in control databases in 2 of 282774 chromosomes at a frequency of 0.000007073 (Genome Aggregation Database March 6, 2019, v2.1.1). The variant was observed in the European (non-Finnish) population in 2 of 129126 chromosomes (freq: 0.000015), but was not observed in the African, Latino, Ashkenazi Jewish, East Asian, European (Finnish), Other, or South Asian populations. The p.Ser588 residue is not conserved in mammals and computational analyses (PolyPhen-2, SIFT, AlignGVGD, BLOSUM, MutationTaster) do not suggest a high likelihood of impact to the protein; however, this information is not predictive enough to rule out pathogenicity. The variant occurs outside of the splicing consensus sequence and 3 of 4 in silico or computational prediction software programs (SpliceSiteFinder, MaxEntScan, NNSPLICE, GeneSplicer) do not predict a difference in splicing. In summary, based on the above information the clinical significance of this variant cannot be determined with certainty at this time. This variant is classified as a variant of uncertain significance.

NM_004519.4(KCNQ3):c.2123G>T (p.Ser708Ile)

Gene: KCNQ3 (potassium voltage-gated channel subfamily Q member 3; minus strand). Cytogenetic location: 8q24.22.
Variant type: single nucleotide variant.
Coding change: c.2123G>T on transcript NM_004519.4 (MANE Select); coding-DNA position 2123, G replaced by T.
Protein change: p.Ser708Ile; replaces serine 708 with isoleucine.
Molecular consequence: missense variant.
Genome position (GRCh38, 1-based): chr8:132,129,758, C>A on the plus strand (G>T on the coding strand, the complement: KCNQ3 is on the minus strand). VCF-style: chr8-132129758-C-A. GRCh37 (hg19) VCF-style: chr8-133142005-C-A.
Other names: c.1763G>T, p.Ser588Ile (NM_001204824.2); short protein forms S708I, S588I.
Identifiers: ClinVar variation 413257 (VCV000413257.55), dbSNP rs977989588, ClinGen allele CA16612470.